The following is an entry in ClinVar:

NM_001038.6(SCNN1A):c.607G>T (p.Ala203Ser)

Gene: SCNN1A (sodium channel epithelial 1 subunit alpha; minus strand). Cytogenetic location: 12p13.31.
Variant type: single nucleotide variant.
Coding change: c.607G>T on transcript NM_001038.6 (MANE Select); coding-DNA position 607, G replaced by T.
Protein change: p.Ala203Ser; replaces alanine 203 with serine.
Molecular consequence: missense variant.
Genome position (GRCh38, 1-based): chr12:6,363,520, C>A on the plus strand (G>T on the coding strand, the complement: SCNN1A is on the minus strand). VCF-style: chr12-6363520-C-A. GRCh37 (hg19) VCF-style: chr12-6472686-C-A.
Other names: c.676G>T, p.Ala226Ser (NM_001159575.2); c.784G>T, p.Ala262Ser (NM_001159576.2); short protein forms A203S, A226S, A262S.
Identifiers: ClinVar variation 2630786 (VCV002630786.1), dbSNP rs2497886266, ClinGen allele CA383557880.

ClinVar aggregate classification (germline): Uncertain significance (1 of 4 stars; one submission).

Conditions:
SCNN1A-related disorder. Also called: SCNN1A-related disorders; SCNN1A-related condition.

Submission:

PreventionGenetics, part of Exact Sciences
Classification: Uncertain significance for SCNN1A-related condition. Last evaluated: 2023-10-04. Review status: criteria provided, single submitter. Criteria: ACMG Guidelines, 2015. Collection method: clinical testing. Allele origin: germline.
Comment: The SCNN1A c.607G>T variant is predicted to result in the amino acid substitution p.Ala203Ser. To our knowledge, this variant has not been reported in the literature or in a large population database, indicating this variant is rare. At this time, the clinical significance of this variant is uncertain due to the absence of conclusive functional and genetic evidence.